The following is an entry in ClinVar:

ClinVar aggregate classification (germline): Uncertain significance (1 of 4 stars; one submission).

Conditions:
Progressive microcephaly-seizures-cortical blindness-developmental delay syndrome. Also called: Seizures, cortical blindness, and microcephaly syndrome. Identifiers: Orphanet 477814, MedGen C5567650, MONDO:0014714, OMIM 616632.
Autosomal dominant nonsyndromic hearing loss 1. Also called: DEAFNESS, AUTOSOMAL DOMINANT 1, WITH OR WITHOUT THROMBOCYTOPENIA; KONIGSMARK SYNDROME. Identifiers: Orphanet 90635, MedGen C1852282, MONDO:0007424, OMIM 124900.

Allele frequency attached by ClinVar (database versions not stated): gnomAD exomes below 0.00001.
gnomAD v4.1: 1 of 1,592,824 alleles (0.000063%); highest among the groups gnomAD compares: Non-Finnish European, 0.000086%; no homozygotes.

Submission:

Labcorp Genetics (formerly Invitae), Labcorp
Classification: Uncertain significance for Progressive microcephaly-seizures-cortical blindness-developmental delay syndrome; Autosomal dominant nonsyndromic hearing loss 1. Last evaluated: 2022-07-23. Review status: criteria provided, single submitter. Criteria: Invitae Variant Classification Sherloc (09022015). Collection method: clinical testing. Allele origin: germline.
Comment: In summary, the available evidence is currently insufficient to determine the role of this variant in disease. Therefore, it has been classified as a Variant of Uncertain Significance. Algorithms developed to predict the effect of missense changes on protein structure and function output the following: SIFT: "Deleterious"; PolyPhen-2: "Not Available"; Align-GVGD: "Class C0". The leucine amino acid residue is found in multiple mammalian species, which suggests that this missense change does not adversely affect protein function. This variant has not been reported in the literature in individuals affected with DIAPH1-related conditions. This variant is not present in population databases (gnomAD no frequency). This sequence change replaces proline, which is neutral and non-polar, with leucine, which is neutral and non-polar, at codon 602 of the DIAPH1 protein (p.Pro602Leu).

NM_005219.5(DIAPH1):c.1805C>T (p.Pro602Leu)

Gene: DIAPH1 (diaphanous related formin 1; minus strand). Cytogenetic location: 5q31.3.
Variant type: single nucleotide variant.
Coding change: c.1805C>T on transcript NM_005219.5 (MANE Select); coding-DNA position 1805, C replaced by T.
Protein change: p.Pro602Leu; replaces proline 602 with leucine.
Molecular consequence: missense variant.
Genome position (GRCh38, 1-based): chr5:141,574,045, G>A on the plus strand (C>T on the coding strand, the complement: DIAPH1 is on the minus strand). VCF-style: chr5-141574045-G-A. GRCh37 (hg19) VCF-style: chr5-140953612-G-A.
Other names: c.1778C>T, p.Pro593Leu (NM_001079812.3); c.1805C>T, p.Pro602Leu (NM_001314007.2); short protein forms P593L, P602L.
Identifiers: ClinVar variation 1956919 (VCV001956919.5), dbSNP rs2513741730, ClinGen allele CA361521030.